The following is an entry in ClinVar:

ClinVar aggregate classification (germline): Uncertain significance (1 of 4 stars; one submission).

Conditions:
Joubert syndrome. Also called: CEREBELLOPARENCHYMAL DISORDER IV; JOUBERT-BOLTSHAUSER SYNDROME; Familial aplasia of the vermis. Identifiers: Orphanet 475, MedGen C5979921, MONDO:0018772.
Meckel-Gruber syndrome. Also called: DYSENCEPHALIA SPLANCHNOCYSTICA; GRUBER SYNDROME; Dysencephalia splachnocystica. Identifiers: Orphanet 564, MedGen C0265215, MONDO:0018921.

Submission:

Labcorp Genetics (formerly Invitae), Labcorp
Classification: Uncertain significance for Joubert syndrome; Meckel-Gruber syndrome. Last evaluated: 2022-04-10. Review status: criteria provided, single submitter. Criteria: Invitae Variant Classification Sherloc (09022015). Collection method: clinical testing. Allele origin: germline.
Comment: In summary, the available evidence is currently insufficient to determine the role of this variant in disease. Therefore, it has been classified as a Variant of Uncertain Significance. Algorithms developed to predict the effect of missense changes on protein structure and function (SIFT, PolyPhen-2, Align-GVGD) all suggest that this variant is likely to be tolerated. This variant has not been reported in the literature in individuals affected with TCTN2-related conditions. This variant is not present in population databases (gnomAD no frequency). This sequence change replaces phenylalanine, which is neutral and non-polar, with leucine, which is neutral and non-polar, at codon 33 of the TCTN2 protein (p.Phe33Leu).

NM_024809.5(TCTN2):c.97T>C (p.Phe33Leu)

Gene: TCTN2 (tectonic family member 2; plus strand). Cytogenetic location: 12q24.31.
Variant type: single nucleotide variant.
Coding change: c.97T>C on transcript NM_024809.5 (MANE Select); coding-DNA position 97, T replaced by C.
Protein change: p.Phe33Leu; replaces phenylalanine 33 with leucine.
Molecular consequence: missense variant.
Genome position (GRCh38, 1-based): chr12:123,671,521, T>C. VCF-style: chr12-123671521-T-C. GRCh37 (hg19) VCF-style: chr12-124156068-T-C.
Other names: c.97T>C, p.Phe33Leu (NM_001143850.3, NM_001410989.1); short protein forms F33L.
Identifiers: ClinVar variation 2124232 (VCV002124232.4), dbSNP rs2541746311, ClinGen allele CA387154988.